The following is an entry in ClinVar:

ClinVar aggregate classification (germline): Pathogenic (1 of 4 stars; one submission).

Conditions:
Cohen syndrome (COH1). Also called: PEPPER SYNDROME; Cutis verticis gyrata, retinitis pigmentosa, and sensorineural deafness. Identifiers: Orphanet 193, MedGen C0265223, MONDO:0008999, OMIM 216550.

Allele frequency attached by ClinVar (database versions not stated): gnomAD exomes below 0.00001.
gnomAD v4.1: 3 of 1,613,996 alleles (0.00019%); highest among the groups gnomAD compares: Non-Finnish European, 0.00025%; no homozygotes.

Submission:

Labcorp Genetics (formerly Invitae), Labcorp
Classification: Pathogenic for Cohen syndrome. Last evaluated: 2019-09-15. Review status: criteria provided, single submitter. Criteria: Invitae Variant Classification Sherloc (09022015). Collection method: clinical testing. Allele origin: germline.
Comment: This sequence change creates a premature translational stop signal (p.Glu183*) in the VPS13B gene. It is expected to result in an absent or disrupted protein product. This variant is not present in population databases (ExAC no frequency). This variant has not been reported in the literature in individuals with VPS13B-related conditions. Loss-of-function variants in VPS13B are known to be pathogenic (PMID: 15141358, 16648375, 20461111). For these reasons, this variant has been classified as Pathogenic.

Literature cited by the submitters: PubMed 15141358; PubMed 16648375; PubMed 20461111.

NM_152564.5(VPS13B):c.547G>T (p.Glu183Ter)

Gene: VPS13B (vacuolar protein sorting 13 homolog B; plus strand). Cytogenetic location: 8q22.2.
Variant type: single nucleotide variant.
Coding change: c.547G>T on transcript NM_152564.5 (MANE Select); coding-DNA position 547, G replaced by T.
Protein change: p.Glu183Ter; replaces glutamic acid 183 with a stop codon.
Molecular consequence: nonsense. On other transcripts: non-coding transcript variant (1).
Genome position (GRCh38, 1-based): chr8:99,103,087, G>T. VCF-style: chr8-99103087-G-T. GRCh37 (hg19) VCF-style: chr8-100115315-G-T.
Other names: c.547G>T, p.Glu183Ter (NM_015243.3, NM_017890.5, NM_181661.3); short protein forms E183*.
Identifiers: ClinVar variation 943737 (VCV000943737.7), dbSNP rs1227284058, ClinGen allele CA371859498.